The following is an entry in ClinVar:

NM_001040108.2(MLH3):c.2954A>C (p.Asp985Ala)

Gene: MLH3 (mutL homolog 3; minus strand). Cytogenetic location: 14q24.3.
Variant type: single nucleotide variant.
Coding change: c.2954A>C on transcript NM_001040108.2 (MANE Select); coding-DNA position 2954, A replaced by C.
Protein change: p.Asp985Ala; replaces aspartic acid 985 with alanine.
Molecular consequence: missense variant.
Genome position (GRCh38, 1-based): chr14:75,046,702, T>G on the plus strand (A>C on the coding strand, the complement: MLH3 is on the minus strand). VCF-style: chr14-75046702-T-G. GRCh37 (hg19) VCF-style: chr14-75513405-T-G.
Other names: c.2954A>C, p.Asp985Ala (NM_014381.3); c.2954A>C (NM_001040108.1); short protein forms D985A.
Identifiers: ClinVar variation 1492204 (VCV001492204.7), dbSNP rs761266398, ClinGen allele CA390437246.
Genomic context (GRCh38, chr14:75,046,702, plus strand): 5'-AACATTCCACTGGGAGAGTCAAGACTTCCTATCTGTTGTTCTGAGGCTCTGATAAGAACA[T>G]CTGAATCTTTACCGGTAACTTTAGAATTATTATAGGGCAATACCAAAGGAGTTTCTGATA-3'
Protein context (NP_001035197.1, residues 975-995): NNSKVTGKDS[Asp985Ala]VLIRASEQQI

ClinVar aggregate classification (germline): Uncertain significance. Review status: criteria provided, multiple submitters, no conflicts (2 of 4 stars). 2 submissions from 2 submitters: Uncertain significance (2). Last evaluated 2024-09-15.

Conditions:
Colorectal cancer, hereditary nonpolyposis, type 7. Identifiers: Orphanet 144, MedGen C1858380, MONDO:0013725, OMIM 614385.

Submissions (2):

Labcorp Genetics (formerly Invitae), Labcorp
Classification: Uncertain significance for Colorectal cancer, hereditary nonpolyposis, type 7. Last evaluated: 2024-09-15. Review status: criteria provided, single submitter. Criteria: Invitae Variant Classification Sherloc (09022015). Collection method: clinical testing. Allele origin: germline.
Comment: This sequence change replaces aspartic acid, which is acidic and polar, with alanine, which is neutral and non-polar, at codon 985 of the MLH3 protein (p.Asp985Ala). This variant is not present in population databases (gnomAD no frequency). This variant has not been reported in the literature in individuals affected with MLH3-related conditions. ClinVar contains an entry for this variant (Variation ID: 1492204). An algorithm developed to predict the effect of missense changes on protein structure and function (PolyPhen-2) suggests that this variant is likely to be tolerated. In summary, the available evidence is currently insufficient to determine the role of this variant in disease. Therefore, it has been classified as a Variant of Uncertain Significance.

Ambry Genetics
Classification: Uncertain significance. Last evaluated: 2024-01-03. Review status: criteria provided, single submitter. Criteria: Ambry Variant Classification Scheme 2023. Collection method: clinical testing. Allele origin: germline.
Comment: The p.D985A variant (also known as c.2954A>C), located in coding exon 1 of the MLH3 gene, results from an A to C substitution at nucleotide position 2954. The aspartic acid at codon 985 is replaced by alanine, an amino acid with dissimilar properties. This amino acid position is not well conserved in available vertebrate species. In addition, this alteration is predicted to be tolerated by in silico analysis. The evidence for this gene-disease relationship is limited; therefore, the clinical significance of this alteration is unclear.